The following is an entry in ClinVar:

NM_001388492.1(HTT):c.1406C>T (p.Ser469Leu)

Gene: HTT (huntingtin; plus strand). Cytogenetic location: 4p16.3.
Variant type: single nucleotide variant.
Coding change: c.1406C>T on transcript NM_001388492.1 (MANE Select); coding-DNA position 1406, C replaced by T.
Protein change: p.Ser469Leu; replaces serine 469 with leucine.
Molecular consequence: missense variant.
Genome position (GRCh38, 1-based): chr4:3,127,267, C>T. VCF-style: chr4-3127267-C-T. GRCh37 (hg19) VCF-style: chr4-3128994-C-T.
Other names: c.1412C>T, p.Ser471Leu (NM_002111.8); short protein forms S471L, S469L.
Identifiers: ClinVar variation 1348160 (VCV001348160.6), dbSNP rs2110184021, ClinGen allele CA356074074.

ClinVar aggregate classification (germline): Uncertain significance (1 of 4 stars; one submission).

Submission:

Labcorp Genetics (formerly Invitae), Labcorp
Classification: Uncertain significance. Last evaluated: 2022-06-27. Review status: criteria provided, single submitter. Criteria: Invitae Variant Classification Sherloc (09022015). Collection method: clinical testing. Allele origin: germline.
Comment: This sequence change replaces serine, which is neutral and polar, with leucine, which is neutral and non-polar, at codon 471 of the HTT protein (p.Ser471Leu). This variant is not present in population databases (gnomAD no frequency). This variant has not been reported in the literature in individuals affected with HTT-related conditions. Experimental studies and prediction algorithms are not available or were not evaluated, and the functional significance of this variant is currently unknown. In summary, the available evidence is currently insufficient to determine the role of this variant in disease. Therefore, it has been classified as a Variant of Uncertain Significance.